The following is an entry in ClinVar:

ClinVar aggregate classification (germline): Uncertain significance (1 of 4 stars; one submission).

Conditions:
Treacher Collins syndrome 1 (TCS1). Also called: TCOF1-Related Treacher Collins Syndrome. Identifiers: Orphanet 861, MedGen CN315775, MONDO:0007944, OMIM 154500.

Allele frequency attached by ClinVar (database versions not stated): gnomAD exomes 0.00003; TOPMed 0.00003; gnomAD 0.00005.
gnomAD v4.1: 46 of 1,613,780 alleles (0.0029%); highest among the groups gnomAD compares: Non-Finnish European, 0.0036%; no homozygotes.

Submission:

Labcorp Genetics (formerly Invitae), Labcorp
Classification: Uncertain significance for Treacher Collins syndrome 1. Last evaluated: 2022-07-17. Review status: criteria provided, single submitter. Criteria: Invitae Variant Classification Sherloc (09022015). Collection method: clinical testing. Allele origin: germline.
Comment: Algorithms developed to predict the effect of missense changes on protein structure and function are either unavailable or do not agree on the potential impact of this missense change (SIFT: "Deleterious"; PolyPhen-2: "Probably Damaging"; Align-GVGD: "Class C0"). This variant is also known as c.2666G>A (p.R889H). This missense change has been observed in at least one individual who was not affected with TCOF1-related conditions (Invitae). This missense change has been observed in individual(s) with TCOF1-related conditions (PMID: 23967202). This variant is present in population databases (no rsID available, gnomAD 0.007%). This sequence change replaces arginine, which is basic and polar, with histidine, which is basic and polar, at codon 966 of the TCOF1 protein (p.Arg966His). In summary, the available evidence is currently insufficient to determine the role of this variant in disease. Therefore, it has been classified as a Variant of Uncertain Significance.

Literature cited by the submitters: PubMed 23967202.

NM_001371623.1(TCOF1):c.2897G>A (p.Arg966His)

Gene: TCOF1 (treacle ribosome biogenesis factor 1; plus strand). Cytogenetic location: 5q32.
Variant type: single nucleotide variant.
Coding change: c.2897G>A on transcript NM_001371623.1 (MANE Select); coding-DNA position 2897, G replaced by A.
Protein change: p.Arg966His; replaces arginine 966 with histidine.
Molecular consequence: missense variant.
Genome position (GRCh38, 1-based): chr5:150,387,939, G>A. VCF-style: chr5-150387939-G-A. GRCh37 (hg19) VCF-style: chr5-149767502-G-A.
Other names: c.2666G>A, p.Arg889His (NM_000356.4, NM_001135245.2); c.2897G>A, p.Arg966His (NM_001135243.2, NM_001135244.2, NM_001195141.2); short protein forms R889H, R966H.
Identifiers: ClinVar variation 2056875 (VCV002056875.4), dbSNP rs958966318, ClinGen allele CA129146771.
Genomic context (GRCh38, chr5:150,387,939, plus strand): 5'-GTGTTTTGTTTTTGTTTTTCAAGGTGATTAAACCCCCTCTGATTTTTGTCGACCCTAATC[G>A]TAGTCCAGCTGGCCCAGCTGCTACACCCGCACAAGCCCAGGCTGCAAGCACCCCGAGGAA-3'
Protein context (NP_001358552.1, residues 956-976): KPPLIFVDPN[Arg966His]SPAGPAATPA